The following is an entry in ClinVar:

ClinVar aggregate classification (germline): Uncertain significance (1 of 4 stars; one submission).

Conditions:
Inborn genetic diseases. Identifiers: MedGen C0950123, MeSH D030342.

Submission:

Ambry Genetics
Classification: Uncertain significance for Inborn genetic diseases. Last evaluated: 2024-06-25. Review status: criteria provided, single submitter. Criteria: Ambry Variant Classification Scheme 2023. Collection method: clinical testing. Allele origin: germline.
Comment: The p.H328R variant (also known as c.983A>G), located in coding exon 11 of the ERCC2 gene, results from an A to G substitution at nucleotide position 983. The histidine at codon 328 is replaced by arginine, an amino acid with highly similar properties. This amino acid position is conserved. In addition, this alteration is predicted to be deleterious by in silico analysis. Based on the available evidence, the clinical significance of this variant remains unclear.

NM_000400.4(ERCC2):c.983A>G (p.His328Arg)

Gene: ERCC2 (ERCC excision repair 2, TFIIH core complex helicase subunit; minus strand). Cytogenetic location: 19q13.32.
Variant type: single nucleotide variant.
Coding change: c.983A>G on transcript NM_000400.4 (MANE Select); coding-DNA position 983, A replaced by G.
Protein change: p.His328Arg; replaces histidine 328 with arginine.
Molecular consequence: missense variant.
Genome position (GRCh38, 1-based): chr19:45,363,878, T>C on the plus strand (A>G on the coding strand, the complement: ERCC2 is on the minus strand). VCF-style: chr19-45363878-T-C. GRCh37 (hg19) VCF-style: chr19-45867136-T-C.
Other names: c.911A>G, p.His304Arg (NM_001130867.2); short protein forms H304R, H328R.
Identifiers: ClinVar variation 3509820 (VCV003509820.1).